The following is an entry in ClinVar:

ClinVar aggregate classification (germline): Uncertain significance. Review status: criteria provided, multiple submitters, no conflicts (2 of 4 stars). 3 submissions from 3 submitters: Uncertain significance (2). 1 of the submissions does not count toward it. Last evaluated 2026-04-28.

Conditions:
Inborn genetic diseases. Identifiers: MedGen C0950123, MeSH D030342.
Hemochromatosis type 3 (HFE3). Also called: HEMOCHROMATOSIS DUE TO DEFECT IN TRANSFERRIN RECEPTOR 2; Hereditary hemochromatosis type 3; TFR2-Related Hemochromatosis. Identifiers: Orphanet 225123, MedGen C1858664, MONDO:0011417, OMIM 604250.

Allele frequency attached by ClinVar (database versions not stated): gnomAD 0.00001; gnomAD exomes 0.00001.
gnomAD v4.1: 16 of 1,566,260 alleles (0.001%); highest among the groups gnomAD compares: East Asian, 0.028%; no homozygotes.

Submissions (3):

Ambry Genetics
Classification: Uncertain significance for Inborn genetic diseases. Last evaluated: 2026-04-28. Review status: criteria provided, single submitter. Criteria: Ambry Variant Classification Scheme 2023. Collection method: clinical testing. Allele origin: germline.

Fulgent Genetics
Classification: Uncertain significance for Hemochromatosis type 3. Last evaluated: 2021-08-27. Review status: criteria provided, single submitter. Criteria: ACMG Guidelines, 2015. Collection method: clinical testing. Allele origin: unknown.

Department of Pathology and Laboratory Medicine, Sinai Health System
Classification: Uncertain significance. Review status: no assertion criteria provided. Collection method: clinical testing. Allele origin: unknown. Affected: yes. Study: The Canadian Open Genetics Repository (COGR). Not counted in ClinVar's aggregate classification.
Comment: The TFR2 p.Ala45Val variant was not identified in the literature nor was it identified in ClinVar, Cosmic or LOVD 3.0. The variant was identified in dbSNP (ID: rs769555821) and was also found in control databases in 1 of 185504 chromosomes at a frequency of 0.000005 (Genome Aggregation Database Feb 27, 2017). The variant was observed in the following population: East Asian in 1 of 14882 chromosomes (freq: 0.000067), while the variant was not observed in the African, Latino, Ashkenazi Jewish, European (Finnish), European (non-Finnish), Other and South Asian populations. The variant occurs outside of the splicing consensus sequence and in silico or computational prediction software programs (SpliceSiteFinder, MaxEntScan, NNSPLICE, GeneSplicer) do not predict a difference in splicing. The p.Ala45 residue is not conserved in mammals and computational analyses (PolyPhen-2, SIFT, AlignGVGD, BLOSUM, MutationTaster) do not suggest a high likelihood of impact to the protein; however, this information is not predictive enough to rule out pathogenicity. In summary, based on the above information the clinical significance of this variant cannot be determined with certainty at this time. This variant is classified as a variant of uncertain significance.

NM_003227.4(TFR2):c.134C>T (p.Ala45Val)

Gene: TFR2 (transferrin receptor 2; minus strand). Cytogenetic location: 7q22.1.
Variant type: single nucleotide variant.
Coding change: c.134C>T on transcript NM_003227.4 (MANE Select); coding-DNA position 134, C replaced by T.
Protein change: p.Ala45Val; replaces alanine 45 with valine.
Molecular consequence: missense variant.
Genome position (GRCh38, 1-based): chr7:100,641,128, G>A on the plus strand (C>T on the coding strand, the complement: TFR2 is on the minus strand). VCF-style: chr7-100641128-G-A. GRCh37 (hg19) VCF-style: chr7-100238751-G-A.
Other names: c.134C>T (NM_003227.3); short protein forms A45V.
Identifiers: ClinVar variation 1049075 (VCV001049075.3), dbSNP rs769555821, ClinGen allele CA4386920.